The following is an entry in ClinVar:

NM_000038.6(APC):c.1958+637G>C

Gene: APC (APC regulator of WNT signaling pathway; plus strand). Cytogenetic location: 5q22.2.
Variant type: single nucleotide variant.
Coding change: c.1958+637G>C on transcript NM_000038.6 (MANE Select); 637 bases into the intron after coding-DNA position 1958, G replaced by C.
Molecular consequence: intron variant.
Genome position (GRCh38, 1-based): chr5:112,835,802, G>C. VCF-style: chr5-112835802-G-C. GRCh37 (hg19) VCF-style: chr5-112171499-G-C.
Other names: c.1958+637G>C (NM_001354895.2, NM_001127510.3); c.1988+637G>C (NM_001354897.2); c.1685+637G>C (NM_001354902.2); c.1904+637G>C (NM_001127511.3); c.1883+637G>C (NM_001354898.2); c.1580+637G>C (NM_001354904.2); c.1109+637G>C (NM_001354906.2); c.2012+637G>C (NM_001354896.2); and 5 more.
Identifiers: ClinVar variation 82620 (VCV000082620.2), dbSNP rs77305982, ClinGen allele CA006680.
Genomic context (GRCh38, chr5:112,835,802, plus strand): 5'-TTTCTATTTTTTGGTAGAGATGGGGTTTCACAATGTTGTCCAGCTGCTCTTGAACTCCTG[G>C]CCTCCAGTGACCCACCTGTCTCAGCCTCCCTAAGTGCTGGGATTACAGGTGTGAGCCACC-3'

ClinVar aggregate classification (germline): other (0 of 4 stars; one submission).

Conditions:
Familial colorectal cancer. Identifiers: MedGen CN280943, MONDO:0023113. Disease mechanism: loss of function.

Submission:

Systems Biology Platform Zhejiang California International NanoSystems Institute
Classification: other for Familial colorectal cancer. Review status: no assertion criteria provided. Collection method: not provided. Allele origin: unknown.
ClinVar note: Converted during submission from cancer to other.